The following is an entry in ClinVar:

NM_174936.4(PCSK9):c.208-7G>A

Gene: PCSK9 (proprotein convertase subtilisin/kexin type 9; plus strand). Cytogenetic location: 1p32.3.
Variant type: single nucleotide variant.
Coding change: c.208-7G>A on transcript NM_174936.4 (MANE Select); 7 bases into the intron before coding-DNA position 208, G replaced by A.
Molecular consequence: intron variant.
Genome position (GRCh38, 1-based): chr1:55,043,836, G>A. VCF-style: chr1-55043836-G-A. GRCh37 (hg19) VCF-style: chr1-55509509-G-A.
Identifiers: ClinVar variation 630140 (VCV000630140.21), dbSNP rs754232605, ClinGen allele CA040820.
Genomic context (GRCh38, chr1:55,043,836, plus strand): 5'-GATAAAGTACACCTAGGGTTTGCTGGGTTTCTTCCATGTCATCATGTTCCTCCTTGCATG[G>A]GGCCAGGATCCGTGGAGGTTGCCTGGCACCTACGTGGTGGTGCTGAAGGAGGAGACCCAC-3'

ClinVar aggregate classification (germline): Uncertain significance. Review status: criteria provided, multiple submitters, no conflicts (2 of 4 stars). 2 submissions from 2 submitters: Uncertain significance (2). Last evaluated 2025-12-09.

Conditions:
Hypercholesterolemia, autosomal dominant, 3 (FHCL3). Also called: Familial Hypercholesterolemia, Autosomal Dominant, 3; PCSK9-Related Familial Hypercholesterolemia, Autosomal Dominant; Familial hypercholesterolemia 3. Identifiers: MedGen C1863551, MONDO:0011369, OMIM 603776.
Familial hypercholesterolemia. Also called: Familial hypercholesterolemias; Familial hypercholesterolaemia. Identifiers: MedGen C0020445, MONDO:0005439.

Allele frequency attached by ClinVar (database versions not stated): gnomAD exomes 0.00001 and 0.00003; ExAC 0.00003; gnomAD 0.00003; TOPMed 0.00008.
gnomAD v4.1: 26 of 1,613,794 alleles (0.0016%); highest among the groups gnomAD compares: Admixed American, 0.025%; no homozygotes.

Submissions (2):

Labcorp Genetics (formerly Invitae), Labcorp
Classification: Uncertain significance for Hypercholesterolemia, autosomal dominant, 3. Last evaluated: 2025-12-09. Review status: criteria provided, single submitter. Criteria: Invitae Variant Classification Sherloc (09022015). Collection method: clinical testing. Allele origin: germline.
Comment: This sequence change falls in intron 1 of the PCSK9 gene. It does not directly change the encoded amino acid sequence of the PCSK9 protein. This variant is present in population databases (rs754232605, gnomAD 0.02%). This variant has not been reported in the literature in individuals affected with PCSK9-related conditions. ClinVar contains an entry for this variant (Variation ID: 630140). Algorithms developed to predict the effect of sequence changes on RNA splicing suggest that this variant may disrupt the consensus splice site. In summary, the available evidence is currently insufficient to determine the role of this variant in disease. Therefore, it has been classified as a Variant of Uncertain Significance.

Color Diagnostics, LLC DBA Color Health
Classification: Uncertain significance for Familial hypercholesterolemia. Last evaluated: 2025-09-30. Review status: criteria provided, single submitter. Criteria: ACMG Guidelines, 2015. Collection method: clinical testing. Allele origin: germline.
Comment: This variant causes an G to A nucleotide substitution at the -7 position of intron 1 of the PCSK9 gene. To our knowledge, functional studies have not been reported for this variant. This variant has not been reported in individuals affected with PCSK9-related disorders in the literature. This variant has been identified in 26/1613794 chromosomes in the general population by the Genome Aggregation Database (gnomAD). The available evidence is insufficient to determine the role of this variant in disease conclusively. Therefore, this variant is classified as a Variant of Uncertain Significance.